The following is an entry in ClinVar:

ClinVar aggregate classification (germline): Likely pathogenic (0 of 4 stars; one submission).

Conditions:
Ovarian dysgenesis 1 (ODG1). Also called: Gonadal dysgenesis XX type deafness; OVARIAN DYSGENESIS, HYPERGONADOTROPIC, AUTOSOMAL RECESSIVE; OVARIAN DYSGENESIS, HYPERGONADOTROPIC, WITH NORMAL KARYOTYPE; OVARIAN FAILURE, HYPERGONADOTROPIC; GONADAL DYSGENESIS, XX TYPE. Identifiers: Orphanet 243, MedGen C0949595, MONDO:0024463, OMIM 233300.

Allele frequency attached by ClinVar (database versions not stated): gnomAD exomes below 0.00001; TOPMed below 0.00001; ExAC 0.00001; gnomAD 0.00001.
gnomAD v4.1: 3 of 1,613,990 alleles (0.00019%); highest among the groups gnomAD compares: African/African-American, 0.0013%; no homozygotes.

Submission:

Juha Muilu Group; Institute for Molecular Medicine Finland (FIMM)
Classification: Likely pathogenic for Ovarian dysgenesis 1. Review status: no assertion criteria provided. Collection method: not provided. Allele origin: unknown.
Comment: FinDis database variant: This variant was not found or characterized by our laboratory, data were collected from public sources: see reference
ClinVar note: Converted during submission from probable-pathogenic to Likely pathogenic.

NM_000145.4(FSHR):c.1043C>G (p.Pro348Arg)

Gene: FSHR (follicle stimulating hormone receptor; minus strand). Cytogenetic location: 2p16.3.
Variant type: single nucleotide variant.
Coding change: c.1043C>G on transcript NM_000145.4 (MANE Select); coding-DNA position 1043, C replaced by G.
Protein change: p.Pro348Arg; replaces proline 348 with arginine.
Molecular consequence: missense variant.
Genome position (GRCh38, 1-based): chr2:48,963,778, G>C on the plus strand (C>G on the coding strand, the complement: FSHR is on the minus strand). VCF-style: chr2-48963778-G-C. GRCh37 (hg19) VCF-style: chr2-49190917-G-C.
Other names: c.965C>G, p.Pro322Arg (NM_181446.3); short protein forms P322R, P348R.
Identifiers: ClinVar variation 56030 (VCV000056030.2), dbSNP rs386833510, ClinGen allele CA144118.